The following is an entry in ClinVar:

ClinVar aggregate classification (germline): Pathogenic (3 of 4 stars; one submission).

Conditions:
Breast-ovarian cancer, familial, susceptibility to, 2 (BROVCA2). Also called: BRCA2 Hereditary Breast and Ovarian Cancer. Identifiers: Orphanet 145, MedGen C2675520, MONDO:0012933, OMIM 612555. Disease mechanism: loss of function.

Submission:

Evidence-based Network for the Interpretation of Germline Mutant Alleles (ENIGMA)
Classification: Pathogenic for Breast-ovarian cancer, familial, susceptibility to, 2. Last evaluated: 2016-09-08. Review status: reviewed by expert panel. Criteria: ENIGMA BRCA1/2 Classification Criteria (2015). Collection method: curation. Allele origin: germline.
Comment: Variant allele predicted to encode a truncated non-functional protein.

NM_000059.4(BRCA2):c.5486del (p.Leu1829fs)

Gene: BRCA2 (BRCA2 DNA repair associated; plus strand). Cytogenetic location: 13q13.1.
Variant type: Deletion.
Coding change: c.5486del on transcript NM_000059.4 (MANE Select); coding-DNA position 5486, one base deleted (T; older notation c.5486delT).
Protein change: p.Leu1829fs; shifts the reading frame from leucine 1829.
Molecular consequence: frameshift variant.
Genome position (GRCh38, 1-based): chr13:32,339,841, T deleted; the last of 2 consecutive T bases (chr13:32,339,840-32,339,841); deleting either gives the same sequence. VCF-style (leftmost placement, unchanged base first): chr13-32339839-AT-A. GRCh37 (hg19) VCF-style: chr13-32913976-AT-A.
Other names: c.5486delT (NM_000059.3); short protein forms L1829fs.
Identifiers: ClinVar variation 254558 (VCV000254558.2), dbSNP rs886038124, ClinGen allele CA10586541.